The following is an entry in ClinVar:

ClinVar aggregate classification (germline): Uncertain significance (1 of 4 stars; one submission).

Submission:

CeGaT Center for Human Genetics Tuebingen
Classification: Uncertain significance. Last evaluated: 2025-02-01. Review status: criteria provided, single submitter. Criteria: CeGaT Center For Human Genetics Tuebingen Variant Classification Criteria Version 2. Collection method: clinical testing. Allele origin: germline. Affected: yes. Observed: 1 variant allele.
Comment: MYH11: PM2, BP4

NM_002474.3(MYH11):c.346-6C>T

Gene: MYH11 (myosin heavy chain 11; minus strand). Cytogenetic location: 16p13.11.
Variant type: single nucleotide variant.
Coding change: c.346-6C>T on transcript NM_002474.3 (MANE Select); 6 bases into the intron before coding-DNA position 346, C replaced by T.
Molecular consequence: intron variant.
Genome position (GRCh38, 1-based): chr16:15,823,417, G>A on the plus strand (C>T on the coding strand, the complement: MYH11 is on the minus strand). VCF-style: chr16-15823417-G-A. GRCh37 (hg19) VCF-style: chr16-15917274-G-A.
Other names: c.346-6C>T (NM_022844.3, NM_001040114.2, NM_001040113.2).
Identifiers: ClinVar variation 3772549 (VCV003772549.13).
Genomic context (GRCh38, chr16:15,823,417, plus strand): 5'-AGATGGGCAGGTGTTTATAGGGGTTGACCACCACGCAGAAGAGGCCAGAGTACGTCTGCA[G>A]ACAGAGAACCCAGCTTACTTCCAGACCTCCTCCAGGGTAGACAGATTGCACAGAAGCACT-3'